The following is an entry in ClinVar:

ClinVar aggregate classification (germline): Uncertain significance (1 of 4 stars; one submission).

Conditions:
Long QT syndrome (LQTS). Identifiers: MedGen C0023976, MeSH D008133, MONDO:0002442. Disease mechanism: loss of function. Inheritance: Various modes of inheritance.

Allele frequency attached by ClinVar (database versions not stated): gnomAD 0.00001.
gnomAD v4.1: 2 of 1,605,188 alleles (0.00012%); highest among the groups gnomAD compares: African/African-American, 0.0013%; no homozygotes.

Submission:

Labcorp Genetics (formerly Invitae), Labcorp
Classification: Uncertain significance for Long QT syndrome. Last evaluated: 2024-07-08. Review status: criteria provided, single submitter. Criteria: Invitae Variant Classification Sherloc (09022015). Collection method: clinical testing. Allele origin: germline.
Comment: This sequence change replaces glutamine, which is neutral and polar, with glutamic acid, which is acidic and polar, at codon 2088 of the CACNA1C protein (p.Gln2088Glu). This variant is not present in population databases (gnomAD no frequency). This variant has not been reported in the literature in individuals affected with CACNA1C-related conditions. Advanced modeling of protein sequence and biophysical properties (such as structural, functional, and spatial information, amino acid conservation, physicochemical variation, residue mobility, and thermodynamic stability) performed at Invitae indicates that this missense variant is not expected to disrupt CACNA1C protein function with a negative predictive value of 95%. In summary, the available evidence is currently insufficient to determine the role of this variant in disease. Therefore, it has been classified as a Variant of Uncertain Significance.

NM_000719.7(CACNA1C):c.6262C>G (p.Gln2088Glu)

Genes: CACNA1C (calcium voltage-gated channel subunit alpha1 C; plus strand), CACNA1C-AS1 (CACNA1C antisense RNA 1; minus strand). Cytogenetic location: 12p13.33.
Variant type: single nucleotide variant.
Coding change: c.6262C>G on transcript NM_000719.7 (MANE Select); coding-DNA position 6262, C replaced by G.
Protein change: p.Gln2088Glu; replaces glutamine 2088 with glutamic acid.
Molecular consequence: missense variant.
Genome position (GRCh38, 1-based): chr12:2,691,044, C>G. VCF-style: chr12-2691044-C-G. GRCh37 (hg19) VCF-style: chr12-2800210-C-G.
Other names: c.6262C>G, p.Gln2088Glu (NM_001167623.2, NM_001129840.2, NM_001129841.2 and 2 more transcripts); c.6367C>G, p.Gln2123Glu (NM_001167624.3, NM_001129830.3); c.6442C>G, p.Gln2148Glu (NM_001167625.2); c.6511C>G, p.Gln2171Glu (NM_199460.4); c.6406C>G, p.Gln2136Glu (NM_001129827.2); c.6385C>G, p.Gln2129Glu (NM_001129829.2); c.6346C>G, p.Gln2116Glu (NM_001129831.2); c.6322C>G, p.Gln2108Glu (NM_001129832.2); and 6 more; short protein forms Q2088E, Q2094E, Q2129E, Q2148E, Q2171E, Q2096E, Q2108E, Q2123E.
Identifiers: ClinVar variation 2991013 (VCV002991013.3), dbSNP rs1556333702, ClinGen allele CA383386725.
Genomic context (GRCh38, chr12:2,691,044, plus strand): 5'-GACATGACCATAGAGGAGATGGAGAGCGCGGCCGACAACATCCTCAGCGGGGGCGCCCCA[C>G]AGAGCCCCAATGGCGCCCTCTTACCCTTTGTGAACTGCAGGGACGCGGGGCAGGACCGAG-3'
Protein context (NP_000710.5, residues 2078-2098): ADNILSGGAP[Gln2088Glu]SPNGALLPFV